The following is an entry in ClinVar:

ClinVar aggregate classification (germline): Uncertain significance. Review status: criteria provided, multiple submitters, no conflicts (2 of 4 stars). 2 submissions from 2 submitters: Uncertain significance (2). Last evaluated 2025-12-01.

Conditions:
Brody myopathy. Also called: BRODY DISEASE. Identifiers: Orphanet 53347, MedGen C1832918, MONDO:0010977, OMIM 601003.

Allele frequency attached by ClinVar (database versions not stated): TOPMed 0.00003.
gnomAD v4.1: 33 of 1,613,688 alleles (0.002%); highest among the groups gnomAD compares: Middle Eastern, 0.016%; no homozygotes.

Submissions (2):

Labcorp Genetics (formerly Invitae), Labcorp
Classification: Uncertain significance for Brody myopathy. Last evaluated: 2025-12-01. Review status: criteria provided, single submitter. Criteria: Invitae Variant Classification Sherloc (09022015). Collection method: clinical testing. Allele origin: germline.
Comment: This sequence change replaces valine, which is neutral and non-polar, with isoleucine, which is neutral and non-polar, at codon 987 of the ATP2A1 protein (p.Val987Ile). This variant is present in population databases (rs200445830, gnomAD 0.006%). This variant has not been reported in the literature in individuals affected with ATP2A1-related conditions. ClinVar contains an entry for this variant (Variation ID: 646003). An algorithm developed to predict the effect of missense changes on protein structure and function outputs the following: PolyPhen-2: "Benign". The isoleucine amino acid residue is found in multiple mammalian species, which suggests that this missense change does not adversely affect protein function. In summary, the available evidence is currently insufficient to determine the role of this variant in disease. Therefore, it has been classified as a Variant of Uncertain Significance.

Illumina Laboratory Services, Illumina
Classification: Uncertain significance for Brody myopathy. Last evaluated: 2018-01-13. Review status: criteria provided, single submitter. Criteria: ICSL Variant Classification Criteria 13 December 2019. Collection method: clinical testing. Allele origin: germline.

NM_004320.6(ATP2A1):c.2959G>A (p.Val987Ile)

Gene: ATP2A1 (ATPase sarcoplasmic/endoplasmic reticulum Ca2+ transporting 1; plus strand). Cytogenetic location: 16p11.2.
Variant type: single nucleotide variant.
Coding change: c.2959G>A on transcript NM_004320.6 (MANE Select); coding-DNA position 2959, G replaced by A.
Protein change: p.Val987Ile; replaces valine 987 with isoleucine.
Molecular consequence: missense variant.
Genome position (GRCh38, 1-based): chr16:28,903,419, G>A. VCF-style: chr16-28903419-G-A. GRCh37 (hg19) VCF-style: chr16-28914740-G-A.
Other names: c.2584G>A, p.Val862Ile (NM_001286075.2); c.2959G>A, p.Val987Ile (NM_173201.5); short protein forms V862I, V987I.
Identifiers: ClinVar variation 646003 (VCV000646003.11), dbSNP rs200445830, ClinGen allele CA7987458.